The following is an entry in ClinVar:

NM_207346.3(TSEN54):c.547C>A (p.Gln183Lys)

Gene: TSEN54 (tRNA splicing endonuclease subunit 54; plus strand). Cytogenetic location: 17q25.1.
Variant type: single nucleotide variant.
Coding change: c.547C>A on transcript NM_207346.3 (MANE Select); coding-DNA position 547, C replaced by A.
Protein change: p.Gln183Lys; replaces glutamine 183 with lysine.
Molecular consequence: missense variant.
Genome position (GRCh38, 1-based): chr17:75,521,434, C>A. VCF-style: chr17-75521434-C-A. GRCh37 (hg19) VCF-style: chr17-73517515-C-A.
Other names: short protein forms Q183K.
Identifiers: ClinVar variation 2015849 (VCV002015849.4), dbSNP rs1555644470, ClinGen allele CA401028203.

ClinVar aggregate classification (germline): Uncertain significance (1 of 4 stars; one submission).

Submission:

Labcorp Genetics (formerly Invitae), Labcorp
Classification: Uncertain significance. Last evaluated: 2024-04-15. Review status: criteria provided, single submitter. Criteria: Invitae Variant Classification Sherloc (09022015). Collection method: clinical testing. Allele origin: germline.
Comment: This sequence change replaces glutamine, which is neutral and polar, with lysine, which is basic and polar, at codon 183 of the TSEN54 protein (p.Gln183Lys). This variant is not present in population databases (gnomAD no frequency). This variant has not been reported in the literature in individuals affected with TSEN54-related conditions. ClinVar contains an entry for this variant (Variation ID: 2015849). Advanced modeling of protein sequence and biophysical properties (such as structural, functional, and spatial information, amino acid conservation, physicochemical variation, residue mobility, and thermodynamic stability) performed at Invitae indicates that this missense variant is not expected to disrupt TSEN54 protein function with a negative predictive value of 80%. In summary, the available evidence is currently insufficient to determine the role of this variant in disease. Therefore, it has been classified as a Variant of Uncertain Significance.